The following is an entry in ClinVar:

NM_001349338.3(FOXP1):c.-11-2A>G

Gene: FOXP1 (forkhead box P1; minus strand). Cytogenetic location: 3p13.
Variant type: single nucleotide variant.
Coding change: c.-11-2A>G on transcript NM_001349338.3 (MANE Select); the canonical splice acceptor site of the intron before 11 bases upstream of the start codon, A replaced by G.
Molecular consequence: splice acceptor variant.
Genome position (GRCh38, 1-based): chr3:71,198,394, T>C on the plus strand (A>G on the coding strand, the complement: FOXP1 is on the minus strand). VCF-style: chr3-71198394-T-C. GRCh37 (hg19) VCF-style: chr3-71247545-T-C.
Other names: c.-11-2A>G (NM_001244810.2, NM_032682.6, NM_001349340.3 and 6 more transcripts).
Identifiers: ClinVar variation 4976326 (VCV004976326.1).
Genomic context (GRCh38, chr3:71,198,394, plus strand): 5'-GATGGCTGAACCGTTACTTTTTGTCTCAGTCCCAGATTCTTGCATCATGACTCAAAAACC[T>C]GATACAAGGATTTCCAAGATGGGGGGAGGGAGGGGGGGAGAAAAAAAAAGCAGCTGTTAA-3'

ClinVar aggregate classification (germline): Pathogenic (1 of 4 stars; one submission).

Submission:

GeneDx
Classification: Pathogenic. Last evaluated: 2026-03-10. Review status: criteria provided, single submitter. Criteria: GeneDx Variant Classification Process June 2021. Collection method: clinical testing. Allele origin: germline.
Comment: Canonical splice site variant predicted to result in a null allele in a gene for which loss-of-function is a known mechanism of disease; Not observed at significant frequency in large population cohorts (gnomAD); Has not been previously published as pathogenic or benign to our knowledge